The following is an entry in ClinVar:

NM_053025.4(MYLK):c.2444C>T (p.Ser815Phe)

Gene: MYLK (myosin light chain kinase; minus strand). Cytogenetic location: 3q21.1.
Variant type: single nucleotide variant.
Coding change: c.2444C>T on transcript NM_053025.4 (MANE Select); coding-DNA position 2444, C replaced by T.
Protein change: p.Ser815Phe; replaces serine 815 with phenylalanine.
Molecular consequence: missense variant.
Genome position (GRCh38, 1-based): chr3:123,701,456, G>A on the plus strand (C>T on the coding strand, the complement: MYLK is on the minus strand). VCF-style: chr3-123701456-G-A. GRCh37 (hg19) VCF-style: chr3-123420303-G-A.
Other names: c.1916C>T, p.Ser639Phe (NM_001321309.2); c.2237C>T, p.Ser746Phe (NM_053026.4, NM_053028.4); c.2444C>T, p.Ser815Phe (NM_053027.4); short protein forms S639F, S815F, S746F.
Identifiers: ClinVar variation 2720802 (VCV002720802.3), dbSNP rs2474202965, ClinGen allele CA354232651.

ClinVar aggregate classification (germline): Uncertain significance (1 of 4 stars; one submission).

Conditions:
Aortic aneurysm, familial thoracic 7 (AAT7). Also called: AORTIC DISSECTION, FAMILIAL, WITH OR WITHOUT AORTIC ANEURYSM. Identifiers: MedGen C3151077, MONDO:0013418, OMIM 613780.

Submission:

Labcorp Genetics (formerly Invitae), Labcorp
Classification: Uncertain significance for Aortic aneurysm, familial thoracic 7. Last evaluated: 2023-07-19. Review status: criteria provided, single submitter. Criteria: Invitae Variant Classification Sherloc (09022015). Collection method: clinical testing. Allele origin: germline.
Comment: This sequence change replaces serine, which is neutral and polar, with phenylalanine, which is neutral and non-polar, at codon 815 of the MYLK protein (p.Ser815Phe). This variant is not present in population databases (gnomAD no frequency). This variant has not been reported in the literature in individuals affected with MYLK-related conditions. Advanced modeling of protein sequence and biophysical properties (such as structural, functional, and spatial information, amino acid conservation, physicochemical variation, residue mobility, and thermodynamic stability) performed at Invitae indicates that this missense variant is not expected to disrupt MYLK protein function. In summary, the available evidence is currently insufficient to determine the role of this variant in disease. Therefore, it has been classified as a Variant of Uncertain Significance.